The following is an entry in ClinVar:

NM_019098.5(CNGB3):c.646C>T (p.Arg216Ter)

Gene: CNGB3 (cyclic nucleotide gated channel subunit beta 3; minus strand). Cytogenetic location: 8q21.3.
Variant type: single nucleotide variant.
Coding change: c.646C>T on transcript NM_019098.5 (MANE Select); coding-DNA position 646, C replaced by T.
Protein change: p.Arg216Ter; replaces arginine 216 with a stop codon.
Molecular consequence: nonsense.
Genome position (GRCh38, 1-based): chr8:86,667,131, G>A on the plus strand (C>T on the coding strand, the complement: CNGB3 is on the minus strand). VCF-style: chr8-86667131-G-A. GRCh37 (hg19) VCF-style: chr8-87679359-G-A.
Other names: short protein forms R216*.
Identifiers: ClinVar variation 188844 (VCV000188844.15), dbSNP rs768345097, ClinGen allele CA274029.

ClinVar aggregate classification (germline): Pathogenic. Review status: criteria provided, multiple submitters, no conflicts (2 of 4 stars). 6 submissions from 6 submitters: Pathogenic (4). 2 of the submissions do not count toward it. Last evaluated 2025-12-01.

Conditions:
CNGB3-related disorder. Also called: CNGB3-related condition; CNGB3-related disorders. Identifiers: MedGen CN239340.
Achromatopsia. Also called: Rod monochromatism. Identifiers: Orphanet 49382, MedGen C0152200, MONDO:0018852, HP:0011516.
Achromatopsia 3 (ACHM3). Also called: TOTAL COLORBLINDNESS WITH MYOPIA; ROD MONOCHROMACY 1; ROD MONOCHROMATISM 1; ACHROMATOPSIA WITH MYOPIA; PINGELAPESE BLINDNESS. Identifiers: Orphanet 49382, MedGen C1849792, MONDO:0009875, OMIM 262300.

Allele frequency attached by ClinVar (database versions not stated): gnomAD 0.00002; gnomAD exomes 0.00002; ExAC 0.00003.

Submissions (6):

Natera, Inc.
Classification: Pathogenic for Achromatopsia. Last evaluated: 2025-12-01. Review status: criteria provided, single submitter. Criteria: Natera Variant Classification Schema (03/2026). Collection method: clinical testing. Allele origin: germline.
Comment: The c.646C>T variant in CNGB3 is a nonsense variant predicted to introduce a stop codon at amino acid 216. This variant is expected to result in nonsense mediated decay, truncation, or a dysfunctional protein product. This variant is rare in the general population with a frequency below the threshold expected for the associated phenotype(s). This variant has been observed in one or more individuals affected with the associated recessive disease, as either homozygous or compound heterozygous with a second variant (PMID: 28795510). Given the available evidence, this variant is classified as Pathogenic.

GeneDx
Classification: Pathogenic. Last evaluated: 2024-11-06. Review status: criteria provided, single submitter. Criteria: GeneDx Variant Classification Process June 2021. Collection method: clinical testing. Allele origin: germline. Affected: yes.
Comment: Nonsense variant predicted to result in protein truncation or nonsense mediated decay in a gene for which loss of function is a known mechanism of disease; This variant is associated with the following publications: (PMID: 31589614, 25525159, 15657609, 28795510, 31964843)

Labcorp Genetics (formerly Invitae), Labcorp
Classification: Pathogenic. Last evaluated: 2024-03-27. Review status: criteria provided, single submitter. Criteria: Invitae Variant Classification Sherloc (09022015). Collection method: clinical testing. Allele origin: germline.
Comment: This sequence change creates a premature translational stop signal (p.Arg216*) in the CNGB3 gene. It is expected to result in an absent or disrupted protein product. Loss-of-function variants in CNGB3 are known to be pathogenic (PMID: 28795510). This variant is present in population databases (rs768345097, gnomAD 0.007%). This premature translational stop signal has been observed in individual(s) with achromatopsia (PMID: 15657609, 28795510). In at least one individual the data is consistent with being in trans (on the opposite chromosome) from a pathogenic variant. ClinVar contains an entry for this variant (Variation ID: 188844). For these reasons, this variant has been classified as Pathogenic.

Blueprint Genetics
Classification: Pathogenic for CNGB3-related disorders. Last evaluated: 2022-08-24. Review status: criteria provided, single submitter. Criteria: ACMG Guidelines, 2015. Collection method: clinical testing. Allele origin: germline. Affected: yes. Observed: 3 variant alleles.

Molecular Genetics Laboratory, Institute for Ophthalmic Research
Classification: Pathogenic for ACHM3. Last evaluated: 2017-03-27. Review status: no assertion criteria provided. Collection method: research. Allele origin: germline. Affected: yes. Not counted in ClinVar's aggregate classification.

Counsyl
Classification: Likely pathogenic for Achromatopsia 3. Last evaluated: 2014-06-22. Review status: no assertion criteria provided. Collection method: literature only. Allele origin: unknown. Inheritance: Autosomal recessive inheritance. Not counted in ClinVar's aggregate classification.

Literature cited by the submitters: PubMed 28795510 (cited by 3 submitters); PubMed 15657609 (cited by Labcorp Genetics (formerly Invitae), Labcorp and Counsyl).